The following is an entry in ClinVar:

ClinVar aggregate classification (germline): Uncertain significance. Review status: criteria provided, multiple submitters, no conflicts (2 of 4 stars). 6 submissions from 6 submitters: Uncertain significance (5). 1 of the submissions does not count toward it. Last evaluated 2024-06-26.

Conditions:
Inborn genetic diseases. Identifiers: MedGen C0950123, MeSH D030342.
Smith-Lemli-Opitz syndrome (SLOS). Also called: 7-Dehydrocholesterol reductase deficiency; POLYDACTYLY, SEX REVERSAL, RENAL HYPOPLASIA, AND UNILOBAR LUNG; RSH SYNDROME; RUTLEDGE LETHAL MULTIPLE CONGENITAL ANOMALY SYNDROME; LETHAL ACRODYSGENITAL SYNDROME. Identifiers: Orphanet 818, MedGen C0175694, MONDO:0010035, OMIM 270400.

Allele frequency attached by ClinVar (database versions not stated): ExAC 0.00001; gnomAD 0.00002; TOPMed 0.00002.
gnomAD v4.1: 11 of 1,612,550 alleles (0.00068%); highest among the groups gnomAD compares: East Asian, 0.0022%; no homozygotes.

Submissions (6):

Ambry Genetics
Classification: Uncertain significance for Inborn genetic diseases. Last evaluated: 2024-06-26. Review status: criteria provided, single submitter. Criteria: Ambry Variant Classification Scheme 2023. Collection method: clinical testing. Allele origin: germline.

GeneDx
Classification: Uncertain significance. Last evaluated: 2024-01-03. Review status: criteria provided, single submitter. Criteria: GeneDx Variant Classification Process June 2021. Collection method: clinical testing. Allele origin: germline. Affected: yes.
Comment: Has not been previously published as pathogenic or benign to our knowledge; Not observed at significant frequency in large population cohorts (gnomAD); In silico analysis supports that this missense variant has a deleterious effect on protein structure/function

Fulgent Genetics
Classification: Uncertain significance for Smith-Lemli-Opitz syndrome. Last evaluated: 2021-09-14. Review status: criteria provided, single submitter. Criteria: ACMG Guidelines, 2015. Collection method: clinical testing. Allele origin: unknown.

Blueprint Genetics
Classification: Uncertain significance. Last evaluated: 2020-10-29. Review status: criteria provided, single submitter. Criteria: ACMG Guidelines, 2015. Collection method: clinical testing. Allele origin: germline.

Eurofins Ntd Llc (ga)
Classification: Uncertain significance. Last evaluated: 2017-07-12. Review status: criteria provided, single submitter. Criteria: EGL Classification Definitions 2015. Collection method: clinical testing. Allele origin: germline. Observed: 1 variant allele, 1 heterozygote.

Natera, Inc.
Classification: Uncertain significance for Smith-Lemli-Opitz syndrome. Last evaluated: 2018-06-29. Review status: no assertion criteria provided. Collection method: clinical testing. Allele origin: germline. Not counted in ClinVar's aggregate classification.

NM_001360.3(DHCR7):c.1159G>A (p.Gly387Arg)

Gene: DHCR7 (7-dehydrocholesterol reductase; minus strand). Cytogenetic location: 11q13.4.
Variant type: single nucleotide variant.
Coding change: c.1159G>A on transcript NM_001360.3 (MANE Select); coding-DNA position 1159, G replaced by A.
Protein change: p.Gly387Arg; replaces glycine 387 with arginine.
Molecular consequence: missense variant.
Genome position (GRCh38, 1-based): chr11:71,435,644, C>T on the plus strand (G>A on the coding strand, the complement: DHCR7 is on the minus strand). VCF-style: chr11-71435644-C-T. GRCh37 (hg19) VCF-style: chr11-71146690-C-T.
Other names: c.1159G>A, p.Gly387Arg (NM_001163817.2); short protein forms G387R.
Identifiers: ClinVar variation 593220 (VCV000593220.13), dbSNP rs765707139, ClinGen allele CA6162296.